The following is an entry in ClinVar:

ClinVar aggregate classification (germline): Uncertain significance (1 of 4 stars; one submission).

Conditions:
Inborn genetic diseases. Identifiers: MedGen C0950123, MeSH D030342.

gnomAD v4.1: 4 of 1,614,134 alleles (0.00025%); highest among the groups gnomAD compares: Non-Finnish European, 0.00034%; no homozygotes.

Submission:

Ambry Genetics
Classification: Uncertain significance for Inborn genetic diseases. Last evaluated: 2024-12-16. Review status: criteria provided, single submitter. Criteria: Ambry Variant Classification Scheme 2023. Collection method: clinical testing. Allele origin: germline.
Comment: The p.S846R variant (also known as c.2536A>C), located in coding exon 13 of the ASXL1 gene, results from an A to C substitution at nucleotide position 2536. The serine at codon 846 is replaced by arginine, an amino acid with dissimilar properties. This amino acid position is conserved. In addition, this alteration is predicted to be tolerated by in silico analysis. Based on the available evidence, the clinical significance of this variant remains unclear.

NM_015338.6(ASXL1):c.2536A>C (p.Ser846Arg)

Gene: ASXL1 (ASXL transcriptional regulator 1; plus strand). Cytogenetic location: 20q11.21.
Variant type: single nucleotide variant.
Coding change: c.2536A>C on transcript NM_015338.6 (MANE Select); coding-DNA position 2536, A replaced by C.
Protein change: p.Ser846Arg; replaces serine 846 with arginine.
Molecular consequence: missense variant.
Genome position (GRCh38, 1-based): chr20:32,435,248, A>C. VCF-style: chr20-32435248-A-C. GRCh37 (hg19) VCF-style: chr20-31023051-A-C.
Other names: c.2353A>C, p.Ser785Arg (NM_001363734.1); short protein forms S846R, S785R.
Identifiers: ClinVar variation 3791453 (VCV003791453.1).
Genomic context (GRCh38, chr20:32,435,248, plus strand): 5'-GGAACTGGCCAAGCTCTTGACAGTCATCCCACTATGAAGGATCCTGTAAATGTGACCCCC[A>C]GTTCCACACCTGAATCCTCACCGACTGATTGCCTGCAGAACAGAGCATTTGATGACGAAT-3'
Protein context (NP_056153.2, residues 836-856): TMKDPVNVTP[Ser846Arg]STPESSPTDC